The following is an entry in ClinVar:

ClinVar aggregate classification (germline): Uncertain significance. Review status: criteria provided, multiple submitters, no conflicts (2 of 4 stars). 2 submissions from 2 submitters: Uncertain significance (2). Last evaluated 2026-07-06.

Conditions:
Birt-Hogg-Dube syndrome. Also called: Birt Hogg Dubé syndrome. Identifiers: Orphanet 122, MedGen C0346010, MONDO:0800444.
Hereditary cancer-predisposing syndrome. Also called: Hereditary Cancer Syndrome; Hereditary neoplastic syndrome; Neoplastic Syndromes, Hereditary; Tumor predisposition. Identifiers: Orphanet 140162, MedGen C0027672, MeSH D009386, MONDO:0015356.

Allele frequency attached by ClinVar (database versions not stated): TOPMed below 0.00001; gnomAD exomes below 0.00001.
gnomAD v4.1: 2 of 1,614,136 alleles (0.00012%); highest among the groups gnomAD compares: Non-Finnish European, 0.00017%; no homozygotes.

Submissions (2):

Ambry Genetics
Classification: Uncertain significance for Hereditary cancer-predisposing syndrome. Last evaluated: 2026-07-06. Review status: criteria provided, single submitter. Criteria: Ambry Variant Classification Scheme 2023. Collection method: clinical testing. Allele origin: germline.
Comment: The p.G91E variant (also known as c.272G>A), located in coding exon 2 of the FLCN gene, results from a G to A substitution at nucleotide position 272. The glycine at codon 91 is replaced by glutamic acid, an amino acid with similar properties. This amino acid position is conserved. In addition, the in silico prediction for this alteration is inconclusive. Based on the available evidence, the clinical significance of this variant remains unclear.

Labcorp Genetics (formerly Invitae), Labcorp
Classification: Uncertain significance for Birt-Hogg-Dube syndrome. Last evaluated: 2023-11-02. Review status: criteria provided, single submitter. Criteria: Invitae Variant Classification Sherloc (09022015). Collection method: clinical testing. Allele origin: germline.
Comment: This sequence change replaces glycine, which is neutral and non-polar, with glutamic acid, which is acidic and polar, at codon 91 of the FLCN protein (p.Gly91Glu). This variant is not present in population databases (gnomAD no frequency). This variant has not been reported in the literature in individuals affected with FLCN-related conditions. Advanced modeling of protein sequence and biophysical properties (such as structural, functional, and spatial information, amino acid conservation, physicochemical variation, residue mobility, and thermodynamic stability) performed at Invitae indicates that this missense variant is not expected to disrupt FLCN protein function with a negative predictive value of 80%. In summary, the available evidence is currently insufficient to determine the role of this variant in disease. Therefore, it has been classified as a Variant of Uncertain Significance.

NM_144997.7(FLCN):c.272G>A (p.Gly91Glu)

Gene: FLCN (folliculin; minus strand). Cytogenetic location: 17p11.2.
Variant type: single nucleotide variant.
Coding change: c.272G>A on transcript NM_144997.7 (MANE Select); coding-DNA position 272, G replaced by A.
Protein change: p.Gly91Glu; replaces glycine 91 with glutamic acid.
Molecular consequence: missense variant.
Genome position (GRCh38, 1-based): chr17:17,226,300, C>T on the plus strand (G>A on the coding strand, the complement: FLCN is on the minus strand). VCF-style: chr17-17226300-C-T. GRCh37 (hg19) VCF-style: chr17-17129614-C-T.
Other names: c.272G>A, p.Gly91Glu (NM_001353229.2, NM_001353230.2, NM_001353231.2 and 1 more transcripts); short protein forms G91E.
Identifiers: ClinVar variation 2743410 (VCV002743410.4), dbSNP rs1869510039, ClinGen allele CA398534954.